The following is an entry in ClinVar:

NM_020461.4(TUBGCP6):c.64C>T (p.His22Tyr)

Gene: TUBGCP6 (tubulin gamma complex component 6; minus strand). Cytogenetic location: 22q13.33.
Variant type: single nucleotide variant.
Coding change: c.64C>T on transcript NM_020461.4 (MANE Select); coding-DNA position 64, C replaced by T.
Protein change: p.His22Tyr; replaces histidine 22 with tyrosine.
Molecular consequence: missense variant.
Genome position (GRCh38, 1-based): chr22:50,244,396, G>A on the plus strand (C>T on the coding strand, the complement: TUBGCP6 is on the minus strand). VCF-style: chr22-50244396-G-A. GRCh37 (hg19) VCF-style: chr22-50682825-G-A.
Other names: c.64C>T (NM_020461.3); short protein forms H22Y.
Identifiers: ClinVar variation 1009514 (VCV001009514.10), dbSNP rs768267901, ClinGen allele CA10309128.

ClinVar aggregate classification (germline): Uncertain significance. Review status: criteria provided, multiple submitters, no conflicts (2 of 4 stars). 2 submissions from 2 submitters: Uncertain significance (2). Last evaluated 2024-06-04.

Conditions:
Inborn genetic diseases. Identifiers: MedGen C0950123, MeSH D030342.

Allele frequency attached by ClinVar (database versions not stated): gnomAD exomes below 0.00001; TOPMed below 0.00001; ExAC 0.00001.
gnomAD v4.1: 4 of 1,613,272 alleles (0.00025%); highest among the groups gnomAD compares: East Asian, 0.0022%; no homozygotes.

Submissions (2):

Ambry Genetics
Classification: Uncertain significance for Inborn genetic diseases. Last evaluated: 2024-06-04. Review status: criteria provided, single submitter. Criteria: Ambry Variant Classification Scheme 2023. Collection method: clinical testing. Allele origin: germline.

Labcorp Genetics (formerly Invitae), Labcorp
Classification: Uncertain significance. Last evaluated: 2020-01-01. Review status: criteria provided, single submitter. Criteria: Invitae Variant Classification Sherloc (09022015). Collection method: clinical testing. Allele origin: germline.
Comment: This sequence change replaces histidine with tyrosine at codon 22 of the TUBGCP6 protein (p.His22Tyr). The histidine residue is weakly conserved and there is a moderate physicochemical difference between histidine and tyrosine. This variant is present in population databases (rs768267901, ExAC 0.01%). This variant has not been reported in the literature in individuals with TUBGCP6-related conditions. Algorithms developed to predict the effect of missense changes on protein structure and function (SIFT, PolyPhen-2, Align-GVGD) all suggest that this variant is likely to be tolerated, but these predictions have not been confirmed by published functional studies and their clinical significance is uncertain. In summary, the available evidence is currently insufficient to determine the role of this variant in disease. Therefore, it has been classified as a Variant of Uncertain Significance.